The following is an entry in ClinVar:

NM_000179.3(MSH6):c.1878G>C (p.Gln626His)

Gene: MSH6 (mutS homolog 6; plus strand). Cytogenetic location: 2p16.3.
Variant type: single nucleotide variant.
Coding change: c.1878G>C on transcript NM_000179.3 (MANE Select); coding-DNA position 1878, G replaced by C.
Protein change: p.Gln626His; replaces glutamine 626 with histidine.
Molecular consequence: missense variant.
Genome position (GRCh38, 1-based): chr2:47,799,861, G>C. VCF-style: chr2-47799861-G-C. GRCh37 (hg19) VCF-style: chr2-48027000-G-C.
Other names: c.1488G>C, p.Gln496His (NM_001281492.2); c.972G>C, p.Gln324His (NM_001281493.2, NM_001281494.2); short protein forms Q626H, Q324H, Q496H.
Identifiers: ClinVar variation 237147 (VCV000237147.10), dbSNP rs767285340, ClinGen allele CA10582056.
Genomic context (GRCh38, chr2:47,799,861, plus strand): 5'-AACAATTCTAAAGAGTTCATTGTCCTGTTCTCTTCAGGAAGGTCTGATACCCGGCTCCCA[G>C]TTTTGGGATGCATCCAAAACTTTGAGAACTCTCCTTGAGGAAGAATATTTTAGGGAAAAG-3'
Protein context (NP_000170.1, residues 616-636): SLQEGLIPGS[Gln626His]FWDASKTLRT

ClinVar aggregate classification (germline): Uncertain significance (1 of 4 stars; one submission).

Conditions:
Hereditary nonpolyposis colorectal neoplasms. Identifiers: MedGen C0009405, MeSH D003123.

Submission:

Labcorp Genetics (formerly Invitae), Labcorp
Classification: Uncertain significance for Hereditary nonpolyposis colorectal neoplasms. Last evaluated: 2025-10-21. Review status: criteria provided, single submitter. Criteria: Invitae Variant Classification Sherloc (09022015). Collection method: clinical testing. Allele origin: germline.
Comment: This sequence change replaces glutamine, which is neutral and polar, with histidine, which is basic and polar, at codon 626 of the MSH6 protein (p.Gln626His). This variant is not present in population databases (gnomAD no frequency). This variant has not been reported in the literature in individuals affected with MSH6-related conditions. ClinVar contains an entry for this variant (Variation ID: 237147). Invitae Evidence Modeling of protein sequence and biophysical properties (such as structural, functional, and spatial information, amino acid conservation, physicochemical variation, residue mobility, and thermodynamic stability) indicates that this missense variant is not expected to disrupt MSH6 protein function with a negative predictive value of 95%. In summary, the available evidence is currently insufficient to determine the role of this variant in disease. Therefore, it has been classified as a Variant of Uncertain Significance.